The following is an entry in ClinVar:

NM_002150.3(HPD):c.158dup (p.Ser54fs)

Genes: HPD (4-hydroxyphenylpyruvate dioxygenase; minus strand), TIALD (transcript inducer of AURKA lysosomal degradation; plus strand). Cytogenetic location: 12q24.31.
Variant type: Duplication.
Coding change: c.158dup on transcript NM_002150.3 (MANE Select); coding-DNA position 158, one base duplicated (G; older notation c.158dupG).
Protein change: p.Ser54fs; shifts the reading frame from serine 54.
Molecular consequence: frameshift variant.
Genome position (GRCh38, 1-based): chr12:121,857,368, C duplicated on the plus strand (G on the coding strand, the reverse complement: HPD is on the minus strand); the first of 2 consecutive C bases (chr12:121,857,368-121,857,369); duplicating either gives the same sequence. VCF-style (leftmost placement, unchanged base first): chr12-121857367-A-AC. GRCh37 (hg19) VCF-style: chr12-122295273-A-AC.
Other names: c.41dup, p.Ser15fs (NM_001171993.2); short protein forms S15fs, S54fs.
Identifiers: ClinVar variation 642856 (VCV000642856.7), dbSNP rs895823217, ClinGen allele CA244621319.

ClinVar aggregate classification (germline): Pathogenic (1 of 4 stars; one submission).

Conditions:
Hawkinsinuria. Identifiers: Orphanet 2118, MedGen C2931042, MONDO:0007700, OMIM 140350, HP:0034457.
Tyrosinemia type III. Also called: 4-HYDROXYPHENYLPYRUVIC ACID OXIDASE DEFICIENCY; Tyrosinemia type 3; 4-alpha hydroxyphenylpyruvic acid oxidase deficiency; 4-alpha hydroxyphenylpyruvate dioxygenase deficiency; 4-Hydroxyphenylpyruvate dioxygenase deficiency. Identifiers: Orphanet 69723, MedGen C0268623, MONDO:0010162, OMIM 276710.

Submission:

Labcorp Genetics (formerly Invitae), Labcorp
Classification: Pathogenic for Tyrosinemia type III; Hawkinsinuria. Last evaluated: 2018-10-01. Review status: criteria provided, single submitter. Criteria: Invitae Variant Classification Sherloc (09022015). Collection method: clinical testing. Allele origin: germline.
Comment: For these reasons, this variant has been classified as Pathogenic. Loss-of-function variants in HPD are known to be pathogenic (PMID: 10942115, 23036342). This variant has not been reported in the literature in individuals with HPD-related disease. This variant is not present in population databases (ExAC no frequency). This sequence change creates a premature translational stop signal (p.Ser54Phefs*38) in the HPD gene. It is expected to result in an absent or disrupted protein product.

Literature cited by the submitters: PubMed 10942115; PubMed 23036342.